The following is an entry in ClinVar:

NM_001276270.2(MBD4):c.1544-11G>T

Gene: MBD4 (methyl-CpG binding domain 4, DNA glycosylase; minus strand). Cytogenetic location: 3q21.3.
Variant type: single nucleotide variant.
Coding change: c.1544-11G>T on transcript NM_001276270.2 (MANE Select); 11 bases into the intron before coding-DNA position 1544, G replaced by T.
Molecular consequence: intron variant.
Genome position (GRCh38, 1-based): chr3:129,432,617, C>A on the plus strand (G>T on the coding strand, the complement: MBD4 is on the minus strand). VCF-style: chr3-129432617-C-A. GRCh37 (hg19) VCF-style: chr3-129151460-C-A.
Other names: c.608-11G>T (NM_001276273.2); c.1562-11G>T (NM_001276272.2, NM_003925.3, NM_001276271.2).
Identifiers: ClinVar variation 4722829 (VCV004722829.2).

ClinVar aggregate classification (germline): Likely benign. Review status: criteria provided, multiple submitters, no conflicts (2 of 4 stars). 2 submissions from 2 submitters: Likely benign (2). Last evaluated 2026-06-09.

Conditions:
Tumor predisposition syndrome 2 (TPDS2). Also called: MBD4-Related Tumor Predisposition Syndrome; MBD4-associated neoplasia syndrome (MANS); MBD4-ASSOCIATED NEOPLASIA SYNDROME. Identifiers: Orphanet 661526, MedGen C5774186, MONDO:0859267, OMIM 619975.

Submissions (2):

Myriad Genetics, Inc.
Classification: Likely benign for Tumor predisposition syndrome 2. Last evaluated: 2026-06-09. Review status: criteria provided, single submitter. Criteria: Myriad Autosomal Dominant, Autosomal Recessive and X-Linked Classification Criteria (2023). Collection method: clinical testing. Allele origin: unknown.
Comment: This variant is considered likely benign. This variant is intronic and is not expected to impact mRNA splicing.

Labcorp Genetics (formerly Invitae), Labcorp
Classification: Likely benign. Last evaluated: 2025-08-29. Review status: criteria provided, single submitter. Criteria: Invitae Variant Classification Sherloc (09022015). Collection method: clinical testing. Allele origin: germline.